The following is an entry in ClinVar:

ClinVar aggregate classification (germline): Uncertain significance (1 of 4 stars; one submission).

Submission:

Women's Health and Genetics/Laboratory Corporation of America, LabCorp
Classification: Uncertain significance. Last evaluated: 2026-05-12. Review status: criteria provided, single submitter. Criteria: LabCorp Variant Classification Summary - May 2015. Collection method: clinical testing. Allele origin: germline.
Comment: Variant summary: The variant involves the duplication of exons 9-26 in the ATRNL1 gene. A presumed nomenclature of c.(1348+1_1349-1)_(3795+1_3796-1)dup has been designated for the purposes of this classification. It is assumed to be a tandem duplication in direct orientation (PMIDs: 25640679, 30054569). This Copy Number Variant (CNV) is expected to alter the reading frame and predicted to result in a truncation or absence of the encoded protein due to nonsense mediated decay (NMD). The variant was absent in 21694 control chromosomes. The available data on variant occurrences in the general population are insufficient to allow any conclusion about variant significance. To our knowledge, no occurrence of c.(1348+1_1349-1)_(3795+1_3796-1)dup in individuals affected with ATRNL1-related conditions and no experimental evidence demonstrating its impact on protein function have been reported. No submitters have cited clinical-significance assessments for this variant to ClinVar. Based on the evidence outlined above, the variant was classified as uncertain significance.

NC_000010.10:g.(116931051_116975454)_(117309047_117486757)dup

Gene: ATRNL1 (attractin like 1; plus strand). Cytogenetic location: 10q25.3.
Variant type: Duplication.
Identifiers: ClinVar variation 4853194 (VCV004853194.1).